The following is an entry in ClinVar:

NM_001037335.2(HELZ2):c.6821C>T (p.Pro2274Leu)

Gene: HELZ2 (helicase with zinc finger 2; minus strand). Cytogenetic location: 20q13.33.
Variant type: single nucleotide variant.
Coding change: c.6821C>T on transcript NM_001037335.2 (MANE Select); coding-DNA position 6821, C replaced by T.
Protein change: p.Pro2274Leu; replaces proline 2274 with leucine.
Molecular consequence: missense variant.
Genome position (GRCh38, 1-based): chr20:63,561,616, G>A on the plus strand (C>T on the coding strand, the complement: HELZ2 is on the minus strand). VCF-style: chr20-63561616-G-A. GRCh37 (hg19) VCF-style: chr20-62192969-G-A.
Other names: c.5114C>T, p.Pro1705Leu (NM_033405.3); short protein forms P1705L, P2274L.
Identifiers: ClinVar variation 2652549 (VCV002652549.24), dbSNP rs41283020, ClinGen allele CA9961351.
Genomic context (GRCh38, chr20:63,561,616, plus strand): 5'-CAGCTCGGCCCCACTCCGCCCAAGCCCCAAAGACAGCAGGCACACCTGAGGCTCTGGTTC[G>A]GCCTCCCCTCCCGGGGGCTCTTCCTGAGCAGCTTCCTGCTGCCCACACGCGGCACTGGGA-3'
Protein context (NP_001032412.2, residues 2264-2284): LLRKSPREGR[Pro2274Leu]NQSLRSITLH

ClinVar aggregate classification (germline): Likely benign (1 of 4 stars; one submission).

Allele frequency attached by ClinVar (database versions not stated): 1000 Genomes Project 30x 0.00312; 1000 Genomes Project 0.00319; gnomAD 0.00541; ESP Exome Variant Server 0.00608; ExAC 0.00627; TOPMed 0.00644.
gnomAD v4.1: 10,737 of 1,607,784 alleles (0.67%); highest among the groups gnomAD compares: Middle Eastern, 1%; 61 homozygotes.

Submission:

CeGaT Center for Human Genetics Tuebingen
Classification: Likely benign. Last evaluated: 2023-04-01. Review status: criteria provided, single submitter. Criteria: CeGaT Center For Human Genetics Tuebingen Variant Classification Criteria Version 2. Collection method: clinical testing. Allele origin: germline. Affected: yes. Observed: 2 variant alleles.
Comment: HELZ2: BP4, BS2